The following is an entry in ClinVar:

ClinVar aggregate classification (germline): Uncertain significance (1 of 4 stars; one submission).

Allele frequency attached by ClinVar (database versions not stated): TOPMed 0.00001.
gnomAD v4.1: 4 of 1,614,168 alleles (0.00025%); highest among the groups gnomAD compares: Non-Finnish European, 0.00025%; no homozygotes.

Submission:

Labcorp Genetics (formerly Invitae), Labcorp
Classification: Uncertain significance. Last evaluated: 2023-12-01. Review status: criteria provided, single submitter. Criteria: Invitae Variant Classification Sherloc (09022015). Collection method: clinical testing. Allele origin: germline.
Comment: This sequence change replaces lysine, which is basic and polar, with glutamine, which is neutral and polar, at codon 635 of the DUOX2 protein (p.Lys635Gln). This variant is not present in population databases (gnomAD no frequency). This variant has not been reported in the literature in individuals affected with DUOX2-related conditions. Advanced modeling of protein sequence and biophysical properties (such as structural, functional, and spatial information, amino acid conservation, physicochemical variation, residue mobility, and thermodynamic stability) performed at Invitae indicates that this missense variant is not expected to disrupt DUOX2 protein function with a negative predictive value of 80%. In summary, the available evidence is currently insufficient to determine the role of this variant in disease. Therefore, it has been classified as a Variant of Uncertain Significance.

NM_001363711.2(DUOX2):c.1903A>C (p.Lys635Gln)

Gene: DUOX2 (dual oxidase 2; minus strand). Cytogenetic location: 15q21.1.
Variant type: single nucleotide variant.
Coding change: c.1903A>C on transcript NM_001363711.2 (MANE Select); coding-DNA position 1903, A replaced by C.
Protein change: p.Lys635Gln; replaces lysine 635 with glutamine.
Molecular consequence: missense variant.
Genome position (GRCh38, 1-based): chr15:45,106,570, T>G on the plus strand (A>C on the coding strand, the complement: DUOX2 is on the minus strand). VCF-style: chr15-45106570-T-G. GRCh37 (hg19) VCF-style: chr15-45398768-T-G.
Other names: c.1903A>C, p.Lys635Gln (NM_014080.5); short protein forms K635Q.
Identifiers: ClinVar variation 2785407 (VCV002785407.3), dbSNP rs923659104, ClinGen allele CA270129797.